The following is an entry in ClinVar:

ClinVar aggregate classification (germline): Uncertain significance (1 of 4 stars; one submission).

Submission:

GeneDx
Classification: Uncertain significance. Last evaluated: 2016-06-28. Review status: criteria provided, single submitter. Criteria: GeneDx Variant Classification (06012015). Collection method: clinical testing. Allele origin: germline. Affected: yes.
Comment: The D258Y variant in the CCDC88C gene has not been reported previously as a pathogenic variant, nor as a benign variant, to our knowledge. The D258Y variant was not observed in approximately 6500 individuals of European and African American ancestry in the NHLBI Exome Sequencing Project, indicating it is not a common benign variant in these populations. The D258Y variant is a non-conservative amino acid substitution, which is likely to impact secondary protein structure as these residues differ in polarity, charge, size and/or other properties. In addition, this substitution occurs at a position that is conserved across species, and in silico analysis predicts this variant is probably damaging to the protein structure/function. However, we interpret D258Y as a variant of uncertain significance.

NM_001080414.4(CCDC88C):c.772G>T (p.Asp258Tyr)

Gene: CCDC88C (coiled-coil domain containing 88C; minus strand). Cytogenetic location: 14q32.11.
Variant type: single nucleotide variant.
Coding change: c.772G>T on transcript NM_001080414.4 (MANE Select); coding-DNA position 772, G replaced by T.
Protein change: p.Asp258Tyr; replaces aspartic acid 258 with tyrosine.
Molecular consequence: missense variant.
Genome position (GRCh38, 1-based): chr14:91,339,315, C>A on the plus strand (G>T on the coding strand, the complement: CCDC88C is on the minus strand). VCF-style: chr14-91339315-C-A. GRCh37 (hg19) VCF-style: chr14-91805659-C-A.
Other names: short protein forms D258Y.
Identifiers: ClinVar variation 421560 (VCV000421560.2), dbSNP rs770482247, ClinGen allele CA16619895.
Genomic context (GRCh38, chr14:91,339,315, plus strand): 5'-AGGAGAAGCAGCCGGGGACTCACAGCTCCTGCCTGACGCGCCGCAGCCTGGCCTTGGTGT[C>A]GGCCAGCTCTACGGCCAGGTGCTGCTTGTCTTCGCTAGAGAGGCTGCTGGTGGGGCTGGG-3'
Protein context (NP_001073883.2, residues 248-268): DKQHLAVELA[Asp258Tyr]TKARLRRVRQ